The following is an entry in ClinVar:

ClinVar aggregate classification (germline): Likely benign (1 of 4 stars; one submission).

gnomAD v4.1: 33 of 1,210,944 alleles (0.0027%); highest among the groups gnomAD compares: Non-Finnish European, 0.0037%; no homozygotes.

Submission:

CeGaT Center for Human Genetics Tuebingen
Classification: Likely benign. Last evaluated: 2026-03-01. Review status: criteria provided, single submitter. Criteria: CeGaT Center For Human Genetics Tuebingen Variant Classification Criteria Version 2. Collection method: clinical testing. Allele origin: germline. Affected: yes. Observed: 1 variant allele.
Comment: KDM6A: BS2

NM_001291415.2(KDM6A):c.3847A>G (p.Ile1283Val)

Gene: KDM6A (lysine demethylase 6A; plus strand). Cytogenetic location: Xp11.3.
Variant type: single nucleotide variant.
Coding change: c.3847A>G on transcript NM_001291415.2 (MANE Select); coding-DNA position 3847, A replaced by G.
Protein change: p.Ile1283Val; replaces isoleucine 1283 with valine.
Molecular consequence: missense variant. On other transcripts: non-coding transcript variant (1).
Genome position (GRCh38, 1-based): chrX:45,089,885, A>G. VCF-style: chrX-45089885-A-G. GRCh37 (hg19) VCF-style: chrX-44949130-A-G.
Other names: c.3712A>G, p.Ile1238Val (NM_001291416.2, NM_001419811.1); c.3556A>G, p.Ile1186Val (NM_001291417.2); c.3454A>G, p.Ile1152Val (NM_001291418.2, NM_001419815.1); c.2803A>G, p.Ile935Val (NM_001291421.2); c.3589A>G, p.Ile1197Val (NM_001410742.1, NM_001419814.1); c.3847A>G, p.Ile1283Val (NM_001419809.1); c.3745A>G, p.Ile1249Val (NM_001419810.1, NM_001419813.1); c.3691A>G, p.Ile1231Val (NM_001419812.1, NM_021140.4); short protein forms I1152V, I1186V, I1197V, I1231V, I1238V, I1249V, I1283V, I935V.
Identifiers: ClinVar variation 4822536 (VCV004822536.4).
Genomic context (GRCh38, chrX:45,089,885, plus strand): 5'-ATTCAGCGACCTGGAGATTTGGTCTGGATAAATGCAGGCACTGTTCATTGGGTTCAGGCT[A>G]TTGGCTGGTGCAACAACATTGCTTGGAATGTTGGTCCACTTACAGGTATTATAAAGAATA-3'
Protein context (NP_001278344.1, residues 1273-1293): NAGTVHWVQA[Ile1283Val]GWCNNIAWNV